The following is an entry in ClinVar:

ClinVar aggregate classification (germline): Uncertain significance (1 of 4 stars; one submission).

Conditions:
Cardiovascular phenotype. Identifiers: MedGen CN230736.

Submission:

Ambry Genetics
Classification: Uncertain significance for Cardiovascular phenotype. Last evaluated: 2025-09-18. Review status: criteria provided, single submitter. Criteria: Ambry Variant Classification Scheme 2023. Collection method: clinical testing. Allele origin: germline.
Comment: The p.L450P variant (also known as c.1349T>C), located in coding exon 4 of the JPH2 gene, results from a T to C substitution at nucleotide position 1349. The leucine at codon 450 is replaced by proline, an amino acid with similar properties. This amino acid position is conserved. In addition, this alteration is predicted to be tolerated by in silico analysis. Based on the available evidence, the clinical significance of this variant remains unclear.

NM_020433.5(JPH2):c.1349T>C (p.Leu450Pro)

Gene: JPH2 (junctophilin 2; minus strand). Cytogenetic location: 20q13.12.
Variant type: single nucleotide variant.
Coding change: c.1349T>C on transcript NM_020433.5 (MANE Select); coding-DNA position 1349, T replaced by C.
Protein change: p.Leu450Pro; replaces leucine 450 with proline.
Molecular consequence: missense variant.
Genome position (GRCh38, 1-based): chr20:44,116,326, A>G on the plus strand (T>C on the coding strand, the complement: JPH2 is on the minus strand). VCF-style: chr20-44116326-A-G. GRCh37 (hg19) VCF-style: chr20-42744966-A-G.
Other names: short protein forms L450P.
Identifiers: ClinVar variation 4614298 (VCV004614298.1).
Genomic context (GRCh38, chr20:44,116,326, plus strand): 5'-GGGCTCTCGCGGGGCGGCTGTGGGAGGCCCGCTGCGCCGGCGCCCCGGTCGGGGGGCTCC[A>G]GCAGGCTCTCCGAGTTCTCCAGGATCTCCTGCAGCAGCCGGCGCTTCTGATATTCCGGAC-3'
Protein context (NP_065166.2, residues 440-460): QEILENSESL[Leu450Pro]EPPDRGAGAA